The following is an entry in ClinVar:

ClinVar aggregate classification (germline): Conflicting classifications of pathogenicity. Review status: criteria provided, conflicting classifications (1 of 4 stars). 2 submissions from 2 submitters: Pathogenic (1); Uncertain significance (1). Last evaluated 2022-03-23.

Conditions:
Hypertrophic cardiomyopathy. Also called: HYPERTROPHIC MYOCARDIOPATHY. Identifiers: Orphanet 217569, MedGen C0007194, MeSH D002312, MONDO:0005045, HP:0001639.

Submissions (2):

Labcorp Genetics (formerly Invitae), Labcorp
Classification: Uncertain significance for Hypertrophic cardiomyopathy. Last evaluated: 2022-03-23. Review status: criteria provided, single submitter. Criteria: Invitae Variant Classification Sherloc (09022015). Collection method: clinical testing. Allele origin: germline.
Comment: This sequence change replaces methionine, which is neutral and non-polar, with lysine, which is basic and polar, at codon 173 of the MYL3 protein (p.Met173Lys). This variant is not present in population databases (gnomAD no frequency). This variant has not been reported in the literature in individuals affected with MYL3-related conditions. ClinVar contains an entry for this variant (Variation ID: 181449). Algorithms developed to predict the effect of missense changes on protein structure and function are either unavailable or do not agree on the potential impact of this missense change (SIFT: "Deleterious"; PolyPhen-2: "Possibly Damaging"; Align-GVGD: "Class C0"). In summary, the available evidence is currently insufficient to determine the role of this variant in disease. Therefore, it has been classified as a Variant of Uncertain Significance.

GeneDx
Classification: Pathogenic. Last evaluated: 2011-11-01. Review status: criteria provided, single submitter. Criteria: GeneDx Variant Classification (06012015). Collection method: clinical testing. Allele origin: germline. Affected: yes.
Comment: The Met173Lys mutation in the MYL3 gene has not been reported previously as a disease causing mutation or as a benign polymorphism, to our knowledge. However, another mutation affecting this same codon (Met173Val) has been reported in a patient with childhood onset HCM and it was absent from more than 1,000 control alleles (Morita et al. 2008). Met173Lys results in a non conservative amino acid substitution of a non polar Methionine with a polar Lysine at a position that is conserved throughout evolution. Furthermore, Met173Lys was not observed in up to 200 control alleles from individuals of Caucasian ancestry tested at GeneDx, indicating it is not a common benign polymorphism in this population. Mutations in MYL3 are rare in HCM, and have been reported in only about 1% of patients with an autosomal dominant familial form of the disease (Cirino A et al., 2011). The variant is found in HCM panel(s).

NM_000258.3(MYL3):c.518T>A (p.Met173Lys)

Gene: MYL3 (myosin light chain 3; minus strand). Cytogenetic location: 3p21.31.
Variant type: single nucleotide variant.
Coding change: c.518T>A on transcript NM_000258.3 (MANE Select); coding-DNA position 518, T replaced by A.
Protein change: p.Met173Lys; replaces methionine 173 with lysine.
Molecular consequence: missense variant.
Genome position (GRCh38, 1-based): chr3:46,858,425, A>T on the plus strand (T>A on the coding strand, the complement: MYL3 is on the minus strand). VCF-style: chr3-46858425-A-T. GRCh37 (hg19) VCF-style: chr3-46899915-A-T.
Other names: p.M173K:ATG>AAG; short protein forms M173K.
Identifiers: ClinVar variation 181449 (VCV000181449.8), dbSNP rs730880962, ClinGen allele CA013996.